The following is an entry in ClinVar:

ClinVar aggregate classification (germline): Uncertain significance (1 of 4 stars; one submission).

Allele frequency attached by ClinVar (database versions not stated): ExAC 0.00001; TOPMed 0.00002.
gnomAD v4.1: 4 of 1,614,172 alleles (0.00025%); highest among the groups gnomAD compares: Non-Finnish European, 0.00034%; no homozygotes.

Submission:

Labcorp Genetics (formerly Invitae), Labcorp
Classification: Uncertain significance. Last evaluated: 2022-08-23. Review status: criteria provided, single submitter. Criteria: Invitae Variant Classification Sherloc (09022015). Collection method: clinical testing. Allele origin: germline.
Comment: This sequence change replaces alanine, which is neutral and non-polar, with threonine, which is neutral and polar, at codon 1799 of the CCDC88A protein (p.Ala1799Thr). This variant is present in population databases (rs775144967, gnomAD 0.0009%). This variant has not been reported in the literature in individuals affected with CCDC88A-related conditions. Algorithms developed to predict the effect of missense changes on protein structure and function are either unavailable or do not agree on the potential impact of this missense change (SIFT: "Deleterious"; PolyPhen-2: "Probably Damaging"; Align-GVGD: "Class C0"). In summary, the available evidence is currently insufficient to determine the role of this variant in disease. Therefore, it has been classified as a Variant of Uncertain Significance.

NM_001365480.1(CCDC88A):c.5398G>A (p.Ala1800Thr)

Gene: CCDC88A (coiled-coil domain containing 88A; minus strand). Cytogenetic location: 2p16.1.
Variant type: single nucleotide variant.
Coding change: c.5398G>A on transcript NM_001365480.1 (MANE Select); coding-DNA position 5398, G replaced by A.
Protein change: p.Ala1800Thr; replaces alanine 1800 with threonine.
Molecular consequence: missense variant. On other transcripts: intron variant (1).
Genome position (GRCh38, 1-based): chr2:55,295,750, C>T on the plus strand (G>A on the coding strand, the complement: CCDC88A is on the minus strand). VCF-style: chr2-55295750-C-T. GRCh37 (hg19) VCF-style: chr2-55522886-C-T.
Other names: c.5395G>A, p.Ala1799Thr (NM_001135597.2); c.5314G>A, p.Ala1772Thr (NM_018084.5); c.5196-23G>A (NM_001254943.2); short protein forms A1800T, A1772T, A1799T.
Identifiers: ClinVar variation 1899337 (VCV001899337.2), dbSNP rs775144967, ClinGen allele CA1665331.